The following is an entry in ClinVar:

NM_016203.4(PRKAG2):c.698C>A (p.Ala233Glu)

Genes: PRKAG2 (protein kinase AMP-activated non-catalytic subunit gamma 2; minus strand), LOC129999660 (ATAC-STARR-seq lymphoblastoid silent region 18823; plus strand). Cytogenetic location: 7q36.1.
Variant type: single nucleotide variant.
Coding change: c.698C>A on transcript NM_016203.4 (MANE Select); coding-DNA position 698, C replaced by A.
Protein change: p.Ala233Glu; replaces alanine 233 with glutamic acid.
Molecular consequence: missense variant. On other transcripts: 5 prime UTR variant (2).
Genome position (GRCh38, 1-based): chr7:151,632,125, G>T on the plus strand (C>A on the coding strand, the complement: PRKAG2 is on the minus strand). VCF-style: chr7-151632125-G-T. GRCh37 (hg19) VCF-style: chr7-151329211-G-T.
Other names: c.566C>A, p.Ala189Glu (NM_001040633.2); c.326C>A, p.Ala109Glu (NM_001304527.2, NM_001363698.2); c.-26C>A (NM_001304531.2, NM_024429.2); short protein forms A109E, A189E, A233E.
Identifiers: ClinVar variation 1047629 (VCV001047629.6), dbSNP rs201240745, ClinGen allele CA370071358.

ClinVar aggregate classification (germline): Uncertain significance (1 of 4 stars; one submission).

Conditions:
Lethal congenital glycogen storage disease of heart. Also called: PHOSPHORYLASE KINASE DEFICIENCY OF HEART; GLYCOGEN STORAGE DISEASE OF HEART. Identifiers: Orphanet 439854, MedGen C1849813, MONDO:0009867, OMIM 261740.

gnomAD v4.1: 1 of 1,402,108 alleles (0.000071%); highest among the groups gnomAD compares: Non-Finnish European, 0.000094%; no homozygotes.

Submission:

Labcorp Genetics (formerly Invitae), Labcorp
Classification: Uncertain significance for Lethal congenital glycogen storage disease of heart. Last evaluated: 2022-02-24. Review status: criteria provided, single submitter. Criteria: Invitae Variant Classification Sherloc (09022015). Collection method: clinical testing. Allele origin: germline.
Comment: This sequence change replaces alanine, which is neutral and non-polar, with glutamic acid, which is acidic and polar, at codon 233 of the PRKAG2 protein (p.Ala233Glu). This variant is not present in population databases (gnomAD no frequency). This variant has not been reported in the literature in individuals affected with PRKAG2-related conditions. ClinVar contains an entry for this variant (Variation ID: 1047629). Advanced modeling of protein sequence and biophysical properties (such as structural, functional, and spatial information, amino acid conservation, physicochemical variation, residue mobility, and thermodynamic stability) performed at Invitae indicates that this missense variant is not expected to disrupt PRKAG2 protein function. In summary, the available evidence is currently insufficient to determine the role of this variant in disease. Therefore, it has been classified as a Variant of Uncertain Significance.